The following is an entry in ClinVar:

ClinVar aggregate classification (germline): Conflicting classifications of pathogenicity. Review status: criteria provided, conflicting classifications (1 of 4 stars). 4 submissions from 4 submitters: Uncertain significance (1); Likely benign (2). 1 of the submissions does not count toward it. Last evaluated 2026-01-24.

Conditions:
SLC27A5-related disorder. Also called: SLC27A5-related condition.

Allele frequency attached by ClinVar (database versions not stated): TOPMed 0.00002.
gnomAD v4.1: 35 of 1,613,328 alleles (0.0022%); highest among the groups gnomAD compares: Middle Eastern, 0.084%; 3 homozygotes.

Submissions (4):

Labcorp Genetics (formerly Invitae), Labcorp
Classification: Likely benign. Last evaluated: 2026-01-24. Review status: criteria provided, single submitter. Criteria: Invitae Variant Classification Sherloc (09022015). Collection method: clinical testing. Allele origin: germline.

CeGaT Center for Human Genetics Tuebingen
Classification: Likely benign. Last evaluated: 2022-12-01. Review status: criteria provided, single submitter. Criteria: CeGaT Center For Human Genetics Tuebingen Variant Classification Criteria Version 2. Collection method: clinical testing. Allele origin: germline. Affected: yes. Observed: 1 variant allele.
Comment: SLC27A5: BP4, BP7

Eurofins Ntd Llc (ga)
Classification: Uncertain significance. Last evaluated: 2016-05-13. Review status: criteria provided, single submitter. Criteria: EGL Classification Definitions 2015. Collection method: clinical testing. Allele origin: germline. Observed: 2 variant alleles, 2 heterozygotes.

PreventionGenetics, part of Exact Sciences
Classification: Likely benign for SLC27A5-related condition. Last evaluated: 2021-04-01. Review status: no assertion criteria provided. Collection method: clinical testing. Allele origin: germline. Not counted in ClinVar's aggregate classification.
Comment: This variant is classified as likely benign based on ACMG/AMP sequence variant interpretation guidelines (Richards et al. 2015 PMID: 25741868, with internal and published modifications).

NM_012254.3(SLC27A5):c.813G>T (p.Ala271=)

Gene: SLC27A5 (solute carrier family 27 member 5; minus strand). Cytogenetic location: 19q13.43.
Variant type: single nucleotide variant.
Coding change: c.813G>T on transcript NM_012254.3 (MANE Select); coding-DNA position 813, G replaced by T.
Protein change: p.Ala271=; no amino-acid change (alanine 271 retained).
Molecular consequence: synonymous variant.
Genome position (GRCh38, 1-based): chr19:58,510,806, C>A on the plus strand (G>T on the coding strand, the complement: SLC27A5 is on the minus strand). VCF-style: chr19-58510806-C-A. GRCh37 (hg19) VCF-style: chr19-59022173-C-A.
Other names: c.561G>T, p.Ala187= (NM_001321196.2); c.813G>T (NM_012254.2).
Identifiers: ClinVar variation 288103 (VCV000288103.34), dbSNP rs559467414, ClinGen allele CA9718200.